The following is an entry in ClinVar:

ClinVar aggregate classification (germline): Conflicting classifications of pathogenicity. Review status: criteria provided, conflicting classifications (1 of 4 stars). 4 submissions from 4 submitters: Uncertain significance (3); Likely benign (1). Last evaluated 2026-06-18.

Conditions:
ABCA4-related disorder. Also called: ABCA4-related disorders; ABCA4-related condition. Identifiers: MedGen CN239167.

Allele frequency attached by ClinVar (database versions not stated): gnomAD exomes 0.00008; ExAC 0.00013; gnomAD 0.00025 and 0.00028; TOPMed 0.00025; ESP Exome Variant Server 0.00038.
gnomAD v4.1: 66 of 1,613,904 alleles (0.0041%); highest among the groups gnomAD compares: African/African-American, 0.087%; no homozygotes.

Submissions (4):

PreventionGenetics, part of Exact Sciences
Classification: Uncertain significance for ABCA4-related condition. Last evaluated: 2026-06-18. Review status: criteria provided, single submitter. Criteria: ACMG Guidelines, 2015. Collection method: clinical testing. Allele origin: germline.
Comment: The ABCA4 c.294C>G variant is predicted to result in the amino acid substitution p.Asn98Lys. This variant was previously reported in a cohort of individuals with inherited retinal dystrophies (Ramkumar et al. 2017. PubMed ID: 28005406). However, this variant is present in 0.12% of alleles in individuals of African descent in gnomAD, which may be too common to be an unreported cause of disease. Although we suspect that this variant may be benign, at this time, the clinical significance of this variant is uncertain due to the absence of conclusive functional and genetic evidence.

Labcorp Genetics (formerly Invitae), Labcorp
Classification: Likely benign. Last evaluated: 2026-01-19. Review status: criteria provided, single submitter. Criteria: Invitae Variant Classification Sherloc (09022015). Collection method: clinical testing. Allele origin: germline.

Blueprint Genetics
Classification: Uncertain significance. Last evaluated: 2024-03-08. Review status: criteria provided, single submitter. Criteria: ACMG Guidelines, 2015. Collection method: clinical testing. Allele origin: germline.

GeneDx
Classification: Uncertain significance. Last evaluated: 2024-03-01. Review status: criteria provided, single submitter. Criteria: GeneDx Variant Classification Process June 2021. Collection method: clinical testing. Allele origin: germline. Affected: yes.
Comment: Identified in the heterozygous state in an individual undergoing genetic testing for retinal dystrophy; however, additional clinical information was not provided and it is unknown if this individual had an additional variant in the ABCA4 gene (PMID: 28005406); In silico analysis supports that this missense variant has a deleterious effect on protein structure/function; This variant is associated with the following publications: (PMID: 28005406, 37108442)

NM_000350.3(ABCA4):c.294C>G (p.Asn98Lys)

Gene: ABCA4 (ATP binding cassette subfamily A member 4; minus strand). Cytogenetic location: 1p22.1.
Variant type: single nucleotide variant.
Coding change: c.294C>G on transcript NM_000350.3 (MANE Select); coding-DNA position 294, C replaced by G.
Protein change: p.Asn98Lys; replaces asparagine 98 with lysine.
Molecular consequence: missense variant.
Genome position (GRCh38, 1-based): chr1:94,111,446, G>C on the plus strand (C>G on the coding strand, the complement: ABCA4 is on the minus strand). VCF-style: chr1-94111446-G-C. GRCh37 (hg19) VCF-style: chr1-94577002-G-C.
Other names: c.294C>G, p.Asn98Lys (NM_001425324.1); short protein forms N98K.
Identifiers: ClinVar variation 265007 (VCV000265007.14), dbSNP rs145133167, ClinGen allele CA958885.